The following is an entry in ClinVar:

ClinVar aggregate classification (germline): Benign/Likely benign. Review status: criteria provided, multiple submitters, no conflicts (2 of 4 stars). 4 submissions from 4 submitters: Benign (1); Likely benign (3). Last evaluated 2024-07-24.

Conditions:
Familial cancer of breast. Also called: BREAST CANCER, FAMILIAL; hereditary breast carcinoma; Hereditary breast cancer. Identifiers: Orphanet 227535, MedGen C0346153, MONDO:0016419, OMIM 114480. Disease mechanism: loss of function.
Hereditary cancer-predisposing syndrome. Also called: Neoplastic Syndromes, Hereditary; Tumor predisposition; Hereditary Cancer Syndrome; Hereditary neoplastic syndrome. Identifiers: Orphanet 140162, MedGen C0027672, MeSH D009386, MONDO:0015356.

Submissions (4):

Myriad Genetics, Inc.
Classification: Benign for Familial cancer of breast. Last evaluated: 2024-07-24. Review status: criteria provided, single submitter. Criteria: Myriad Autosomal Dominant, Autosomal Recessive and X-Linked Classification Criteria (2023). Collection method: clinical testing. Allele origin: unknown.
Comment: This variant is considered benign. This variant is a silent/synonymous amino acid change and it is not expected to impact splicing.

Women's Health and Genetics/Laboratory Corporation of America, LabCorp
Classification: Likely benign. Last evaluated: 2024-01-13. Review status: criteria provided, single submitter. Criteria: LabCorp Variant Classification Summary - May 2015. Collection method: clinical testing. Allele origin: germline.

Labcorp Genetics (formerly Invitae), Labcorp
Classification: Likely benign for Familial cancer of breast. Last evaluated: 2023-02-24. Review status: criteria provided, single submitter. Criteria: Invitae Variant Classification Sherloc (09022015). Collection method: clinical testing. Allele origin: germline.

Ambry Genetics
Classification: Likely benign for Hereditary cancer-predisposing syndrome. Last evaluated: 2015-06-19. Review status: criteria provided, single submitter. Criteria: Ambry Variant Classification Scheme 2023. Collection method: clinical testing. Allele origin: germline.

NM_000465.4(BARD1):c.1311T>C (p.Ile437=)

Gene: BARD1 (BRCA1 associated RING domain 1; minus strand). Cytogenetic location: 2q35.
Variant type: single nucleotide variant.
Coding change: c.1311T>C on transcript NM_000465.4 (MANE Select); coding-DNA position 1311, T replaced by C.
Protein change: p.Ile437=; no amino-acid change (isoleucine 437 retained).
Molecular consequence: synonymous variant. On other transcripts: non-coding transcript variant (2), intron variant (3).
Genome position (GRCh38, 1-based): chr2:214,780,563, A>G on the plus strand (T>C on the coding strand, the complement: BARD1 is on the minus strand). VCF-style: chr2-214780563-A-G. GRCh37 (hg19) VCF-style: chr2-215645287-A-G.
Other names: c.1254T>C, p.Ile418= (NM_001282543.2); c.159-28008T>C (NM_001282548.2); c.215+16498T>C (NM_001282545.2); c.364+11734T>C (NM_001282549.2).
Identifiers: ClinVar variation 232477 (VCV000232477.17), dbSNP rs876659789, ClinGen allele CA10577811.